The following is an entry in ClinVar:

NM_001080414.4(CCDC88C):c.3640G>A (p.Gly1214Ser)

Gene: CCDC88C (coiled-coil and HOOK domain protein 88C; minus strand). Cytogenetic location: 14q32.11.
Variant type: single nucleotide variant.
Coding change: c.3640G>A on transcript NM_001080414.4 (MANE Select); coding-DNA position 3640, G replaced by A.
Protein change: p.Gly1214Ser; replaces glycine 1214 with serine.
Molecular consequence: missense variant.
Genome position (GRCh38, 1-based): chr14:91,300,066, C>T on the plus strand (G>A on the coding strand, the complement: CCDC88C is on the minus strand). VCF-style: chr14-91300066-C-T. GRCh37 (hg19) VCF-style: chr14-91766410-C-T.
Other names: p.Gly1214Ser; short protein forms G1214S.
Identifiers: ClinVar variation 713623 (VCV000713623.17), dbSNP rs183646530, ClinGen allele CA7309252.

ClinVar aggregate classification (germline): Benign/Likely benign. Review status: criteria provided, multiple submitters, no conflicts (2 of 4 stars). 5 submissions from 5 submitters: Benign (1); Likely benign (3). 1 of the submissions does not count toward it. Last evaluated 2026-09-01.

Conditions:
CCDC88C-related disorder. Also called: CCDC88C-Related Disorders; CCDC88C-related condition.

Allele frequency attached by ClinVar (database versions not stated): gnomAD 0.00079 and 0.00083; TOPMed 0.00080; ESP Exome Variant Server 0.00087; gnomAD exomes 0.00098; 1000 Genomes Project 0.00100; 1000 Genomes Project 30x 0.00125; ExAC 0.00153.
gnomAD v4.1: 1,748 of 1,607,656 alleles (0.11%); highest among the groups gnomAD compares: East Asian, 0.25%; 3 homozygotes.

Submissions (5):

CeGaT Center for Human Genetics Tuebingen
Classification: Likely benign. Last evaluated: 2026-09-01. Review status: criteria provided, single submitter. Criteria: CeGaT Center For Human Genetics Tuebingen Variant Classification Criteria Version 2. Collection method: clinical testing. Allele origin: germline. Affected: yes. Observed: 2 variant alleles.
Comment: CCDC88C: BP4, BS2

Labcorp Genetics (formerly Invitae), Labcorp
Classification: Likely benign. Last evaluated: 2026-01-26. Review status: criteria provided, single submitter. Criteria: Invitae Variant Classification Sherloc (09022015). Collection method: clinical testing. Allele origin: germline.

Blueprint Genetics
Classification: Likely benign. Last evaluated: 2024-09-06. Review status: criteria provided, single submitter. Criteria: ACMG Guidelines, 2015. Collection method: clinical testing. Allele origin: germline.

Mayo Clinic Laboratories, Mayo Clinic
Classification: Benign. Last evaluated: 2024-07-23. Review status: criteria provided, single submitter. Criteria: ACMG Guidelines, 2015. Collection method: clinical testing. Allele origin: germline. Observed: 2 variant alleles.
Comment: BS1, BS2, BP4

PreventionGenetics, part of Exact Sciences
Classification: Likely benign for CCDC88C-related condition. Last evaluated: 2022-06-01. Review status: no assertion criteria provided. Collection method: clinical testing. Allele origin: germline. Not counted in ClinVar's aggregate classification.
Comment: This variant is classified as likely benign based on ACMG/AMP sequence variant interpretation guidelines (Richards et al. 2015 PMID: 25741868, with internal and published modifications).